The following is an entry in ClinVar:

ClinVar aggregate classification (germline): Likely benign (1 of 4 stars; one submission).

Allele frequency attached by ClinVar (database versions not stated): 1000 Genomes Project 0.00160; 1000 Genomes Project 30x 0.00187; TOPMed 0.00246; gnomAD 0.00269; ExAC 0.00284; ESP Exome Variant Server 0.00354.
gnomAD v4.1: 6,744 of 1,613,288 alleles (0.42%); highest among the groups gnomAD compares: Non-Finnish European, 0.5%; 21 homozygotes.

Submission:

CeGaT Center for Human Genetics Tuebingen
Classification: Likely benign. Last evaluated: 2023-02-01. Review status: criteria provided, single submitter. Criteria: CeGaT Center For Human Genetics Tuebingen Variant Classification Criteria Version 2. Collection method: clinical testing. Allele origin: germline. Affected: yes. Observed: 1 variant allele.
Comment: WDR17: BP4, BS2

NM_181265.4(WDR17):c.2797G>A (p.Asp933Asn)

Gene: WDR17 (WD repeat domain 17; plus strand). Cytogenetic location: 4q34.2.
Variant type: single nucleotide variant.
Coding change: c.2797G>A on transcript NM_181265.4 (MANE Select); coding-DNA position 2797, G replaced by A.
Protein change: p.Asp933Asn; replaces aspartic acid 933 with asparagine.
Molecular consequence: missense variant.
Genome position (GRCh38, 1-based): chr4:176,162,121, G>A. VCF-style: chr4-176162121-G-A. GRCh37 (hg19) VCF-style: chr4-177083272-G-A.
Other names: c.2869G>A, p.Asp957Asn (NM_001350727.2, NM_001378103.1, NM_170710.5); c.2797G>A, p.Asp933Asn (NM_001378104.1); c.2632G>A, p.Asp878Asn (NM_001378105.1, NM_001378106.1); short protein forms D878N, D933N, D957N.
Identifiers: ClinVar variation 2655198 (VCV002655198.24), dbSNP rs148579014, ClinGen allele CA3144528.
Genomic context (GRCh38, chr4:176,162,121, plus strand): 5'-TTTTTTCTTTCTAGACTCCTGCACAAAGTCAGTAAAGAACTGGCAGAATGGTATTTTCAA[G>A]ATGGTCGAGCAGTACTAGCCGCATGTTGCCATCTTGCCATAGATAATATTGAGGTACGAC-3'
Protein context (NP_851782.3, residues 923-943): SKELAEWYFQ[Asp933Asn]GRAVLAACCH